The following is an entry in ClinVar:

NC_000023.10:g.(?_149613783)_(149767170_?)del

Genes: MAMLD1 (mastermind like domain containing 1; plus strand), MTM1 (myotubularin 1; plus strand). Cytogenetic location: Xq28.
Variant type: Deletion.
Identifiers: ClinVar variation 3243933 (VCV003243933.1).

ClinVar aggregate classification (germline): Pathogenic (1 of 4 stars; one submission).

Conditions:
Severe X-linked myotubular myopathy (CNMX). Also called: MYOTUBULAR MYOPATHY 1; Myotubular myopathy, X-linked; X-linked centronuclear myopathy. Identifiers: Orphanet 596, MedGen C0410203, MONDO:0010683, OMIM 310400.

Submission:

Labcorp Genetics (formerly Invitae), Labcorp
Classification: Pathogenic for Severe X-linked myotubular myopathy. Last evaluated: 2023-11-25. Review status: criteria provided, single submitter. Criteria: Invitae Variant Classification Sherloc (09022015). Collection method: clinical testing. Allele origin: unknown.
Comment: This variant is a gross deletion of the genomic region encompassing exon(s) 1-4 of the MTM1 gene, which includes the initiator codon. This deletion extends beyond the assayed region for this gene and therefore may encompass additional genes. It is expected to result in an absent or disrupted protein product. Loss-of-function variants in MTM1 are known to be pathogenic (PMID: 9305655, 10063835). This variant has not been reported in the literature in individuals affected with MTM1-related conditions. For these reasons, this variant has been classified as Pathogenic.

Literature cited by the submitters: PubMed 9305655; PubMed 10063835.